The following is an entry in ClinVar:

ClinVar aggregate classification (germline): Uncertain significance (1 of 4 stars; one submission).

Conditions:
Frontotemporal dementia and/or amyotrophic lateral sclerosis 1 (FTDALS1). Also called: Frontotemporal dementia with motor neuron disease 1; C9orf72 Frontotemporal Dementia and/or Amyotrophic Lateral Sclerosis. Identifiers: Orphanet 275872, MedGen C5779877, MONDO:0007105, OMIM 105550.
Paget disease of bone 2, early-onset (PDB2). Also called: Paget disease of bone 2. Identifiers: MedGen C4085251, MONDO:0011183, OMIM 602080.

Allele frequency attached by ClinVar (database versions not stated): TOPMed below 0.00001.

Submission:

Labcorp Genetics (formerly Invitae), Labcorp
Classification: Uncertain significance for Paget disease of bone 2, early-onset; Frontotemporal dementia and/or amyotrophic lateral sclerosis 1. Last evaluated: 2018-06-07. Review status: criteria provided, single submitter. Criteria: Invitae Variant Classification Sherloc (09022015). Collection method: clinical testing. Allele origin: germline.
Comment: This sequence change replaces methionine with isoleucine at codon 87 of the SQSTM1 protein (p.Met87Ile). The methionine residue is moderately conserved and there is a small physicochemical difference between methionine and isoleucine. In summary, the available evidence is currently insufficient to determine the role of this variant in disease. Therefore, it has been classified as a Variant of Uncertain Significance. Algorithms developed to predict the effect of missense changes on protein structure and function (SIFT, PolyPhen-2, Align-GVGD) all suggest that this variant is likely to be tolerated, but these predictions have not been confirmed by published functional studies and their clinical significance is uncertain. This variant has not been reported in the literature in individuals with SQSTM1-related disease. This variant is not present in population databases (ExAC no frequency).

NM_003900.5(SQSTM1):c.261G>A (p.Met87Ile)

Gene: SQSTM1 (sequestosome 1; plus strand). Cytogenetic location: 5q35.3.
Variant type: single nucleotide variant.
Coding change: c.261G>A on transcript NM_003900.5 (MANE Select); coding-DNA position 261, G replaced by A.
Protein change: p.Met87Ile; replaces methionine 87 with isoleucine.
Molecular consequence: missense variant.
Genome position (GRCh38, 1-based): chr5:179,823,013, G>A. VCF-style: chr5-179823013-G-A. GRCh37 (hg19) VCF-style: chr5-179250013-G-A.
Other names: c.9G>A, p.Met3Ile (NM_001142298.2, NM_001142299.2); short protein forms M3I, M87I.
Identifiers: ClinVar variation 1057918 (VCV001057918.9), dbSNP rs1274176534, ClinGen allele CA362443128.
Genomic context (GRCh38, chr5:179,823,013, plus strand): 5'-TCTAGATGAGGACGGGGACTTGGTTGCCTTTTCCAGTGACGAGGAATTGACAATGGCCAT[G>A]TCCTACGTGAAGGATGACATCTTCCGAATCTACATTAAAGGTAAGGGGCTGCTCTGGGGG-3'
Protein context (NP_003891.1, residues 77-97): FSSDEELTMA[Met87Ile]SYVKDDIFRI